The following is an entry in ClinVar:

ClinVar aggregate classification (germline): Likely benign (1 of 4 stars; one submission).

Submission:

CeGaT Center for Human Genetics Tuebingen
Classification: Likely benign. Last evaluated: 2025-06-01. Review status: criteria provided, single submitter. Criteria: CeGaT Center For Human Genetics Tuebingen Variant Classification Criteria Version 2. Collection method: clinical testing. Allele origin: germline. Affected: yes. Observed: 1 variant allele.
Comment: VNN3P: BP4, BP7

NR_173391.1(VNN3):n.467C>T

Gene: VNN3 (vanin 3; minus strand). Cytogenetic location: 6q23.2.
Variant type: single nucleotide variant.
Molecular consequence: non-coding transcript variant (on NR_173391.1).
Genome position: GRCh38 VCF-style: chr6-132728930-G-A. GRCh37 (hg19) VCF-style: chr6-133050069-G-A.
Identifiers: ClinVar variation 3905591 (VCV003905591.10).